The following is an entry in ClinVar:

NM_001267550.2(TTN):c.87848T>A (p.Leu29283Ter)

Genes: TTN (titin; minus strand), TTN-AS1 (TTN antisense RNA 1; plus strand). Cytogenetic location: 2q31.2.
Variant type: single nucleotide variant.
Coding change: c.87848T>A on transcript NM_001267550.2 (MANE Select); coding-DNA position 87848, T replaced by A.
Protein change: p.Leu29283Ter; replaces leucine 29283 with a stop codon.
Molecular consequence: nonsense.
Genome position (GRCh38, 1-based): chr2:178,557,414, A>T on the plus strand (T>A on the coding strand, the complement: TTN is on the minus strand). VCF-style: chr2-178557414-A-T. GRCh37 (hg19) VCF-style: chr2-179422141-A-T.
Other names: c.82925T>A, p.Leu27642Ter (NM_001256850.1); c.60653T>A, p.Leu20218Ter (NM_003319.4); c.80144T>A, p.Leu26715Ter (NM_133378.4); c.61028T>A, p.Leu20343Ter (NM_133432.3); c.61229T>A, p.Leu20410Ter (NM_133437.4); short protein forms L26715*, L20218*, L20343*, L20410*, L27642*, L29283*.
Identifiers: ClinVar variation 4786542 (VCV004786542.1).

ClinVar aggregate classification (germline): Likely pathogenic (1 of 4 stars; one submission).

Conditions:
Autosomal recessive limb-girdle muscular dystrophy type 2J (LGMDR10). Also called: Limb-girdle muscular dystrophy, type 2J; MUSCULAR DYSTROPHY, LIMB-GIRDLE, AUTOSOMAL RECESSIVE 10. Identifiers: Orphanet 140922, MedGen C1837342, MONDO:0012127, OMIM 608807.
Dilated cardiomyopathy 1G (CMD1G). Identifiers: Orphanet 154, MedGen C1858763, MONDO:0011400, OMIM 604145.

Submission:

Labcorp Genetics (formerly Invitae), Labcorp
Classification: Likely pathogenic for Dilated cardiomyopathy 1G; Autosomal recessive limb-girdle muscular dystrophy type 2J. Last evaluated: 2025-10-27. Review status: criteria provided, single submitter. Criteria: Invitae Variant Classification Sherloc (09022015). Collection method: clinical testing. Allele origin: germline.
Comment: This sequence change creates a premature translational stop signal (p.Leu29283*) in the TTN gene. While this is not anticipated to result in nonsense mediated decay, it is expected to create a truncated TTN protein. This variant is not present in population databases (gnomAD no frequency). This premature translational stop signal has been observed in individual(s) with clinical features of autosomal dominant TTN-related conditions (internal data). This variant is located in the A band of TTN (PMID: 25589632). Truncating variants in this region are significantly overrepresented in patients affected with dilated cardiomyopathy (PMID: 25589632). Truncating variants in this region have also been reported in individuals affected with autosomal recessive centronuclear myopathy (PMID: 23975875). In summary, the currently available evidence indicates that the variant is pathogenic, but additional data are needed to prove that conclusively. Therefore, this variant has been classified as Likely Pathogenic.

Literature cited by the submitters: PubMed 25589632; PubMed 23975875.